The following is an entry in ClinVar:

NM_170707.4(LMNA):c.514-197A>C

Gene: LMNA (lamin A/C; plus strand). Cytogenetic location: 1q22.
Variant type: single nucleotide variant.
Coding change: c.514-197A>C on transcript NM_170707.4 (MANE Select); 197 bases into the intron before coding-DNA position 514, A replaced by C.
Molecular consequence: intron variant.
Genome position (GRCh38, 1-based): chr1:156,134,206, A>C. VCF-style: chr1-156134206-A-C. GRCh37 (hg19) VCF-style: chr1-156103997-A-C.
Other names: c.514-197A>C (NM_001282625.2, NM_001282626.2, NM_170708.4 and 1 more transcripts); c.178-197A>C (NM_001257374.3); c.271-197A>C (NM_001282624.2).
Identifiers: ClinVar variation 672783 (VCV000672783.1), dbSNP rs569025, ClinGen allele CA10816042.
Genomic context (GRCh38, chr1:156,134,206, plus strand): 5'-AGCTGGGACTACAGGCGTGTGCCACCATCATGCCTGGCTACTTTTTTGTATTAGATATAT[A>C]TTTTCTCTCTTAGCACAGTACCTACCAAGAGTGAGTGAGTAGATGTCCTGACCCCTGCAG-3'

ClinVar aggregate classification (germline): Benign (1 of 4 stars; one submission).

Allele frequency attached by ClinVar (database versions not stated): gnomAD 0.23144 and 0.24095; TOPMed 0.24896; 1000 Genomes Project 0.25200; 1000 Genomes Project 30x 0.26218.
gnomAD v4.1: 34,924 of 151,926 alleles (23%); highest among the groups gnomAD compares: African/African-American, 63%; 8,715 homozygotes.

Submission:

GeneDx
Classification: Benign. Last evaluated: 2018-06-14. Review status: criteria provided, single submitter. Criteria: GeneDx Variant Classification (06012015). Collection method: clinical testing. Allele origin: germline. Affected: yes.
Comment: This variant is considered likely benign or benign based on one or more of the following criteria: it is a conservative change, it occurs at a poorly conserved position in the protein, it is predicted to be benign by multiple in silico algorithms, and/or has population frequency not consistent with disease.